The following is an entry in ClinVar:

NM_018122.5(DARS2):c.536G>A (p.Arg179His)

Gene: DARS2 (aspartyl-tRNA synthetase 2, mitochondrial; plus strand). Cytogenetic location: 1q25.1.
Variant type: single nucleotide variant.
Coding change: c.536G>A on transcript NM_018122.5 (MANE Select); coding-DNA position 536, G replaced by A.
Protein change: p.Arg179His; replaces arginine 179 with histidine.
Molecular consequence: missense variant.
Genome position (GRCh38, 1-based): chr1:173,833,419, G>A. VCF-style: chr1-173833419-G-A. GRCh37 (hg19) VCF-style: chr1-173802557-G-A.
Other names: NM_018122.5(DARS2):c.536G>A; c.536G>A (NM_018122.4); c.536G>A, p.Arg179His (NM_001365212.1, NM_001365213.2); short protein forms R179H.
Identifiers: ClinVar variation 1064 (VCV000001064.13), dbSNP rs121918210, ClinGen allele CA251681.

ClinVar aggregate classification (germline): Pathogenic/Likely pathogenic. Review status: criteria provided, multiple submitters, no conflicts (2 of 4 stars). 8 submissions from 8 submitters: Pathogenic (3); Likely pathogenic (4). 1 of the submissions does not count toward it. Last evaluated 2026-06-10.

Conditions:
DARS2-related disorder. Also called: DARS2-related condition.
Leukoencephalopathy with brain stem and spinal cord involvement-high lactate syndrome (LBSL). Also called: MITOCHONDRIAL ASPARTYL-tRNA SYNTHETASE DEFICIENCY; LEUKOENCEPHALOPATHY WITH BRAINSTEM AND SPINAL CORD INVOLVEMENT AND LACTATE ELEVATION, MILD; Leukoencephalopathy with Brainstem and Spinal Cord Involvement and Lactate Elevation. Identifiers: Orphanet 137898, MedGen C1970180, MONDO:0012622, OMIM 611105.

Allele frequency attached by ClinVar (database versions not stated): gnomAD 0.00003 and 0.00004; gnomAD exomes 0.00004 and 0.00007; TOPMed 0.00004; ExAC 0.00009.
gnomAD v4.1: 59 of 1,613,588 alleles (0.0037%); highest among the groups gnomAD compares: Non-Finnish European, 0.0048%; no homozygotes.

Submissions (8):

GeneDx
Classification: Likely pathogenic. Last evaluated: 2026-06-10. Review status: criteria provided, single submitter. Criteria: GeneDx Variant Classification Process June 2021. Collection method: clinical testing. Allele origin: germline.
Comment: In silico analysis supports that this missense variant has a deleterious effect on protein structure/function; This variant is associated with the following publications: (PMID: 24566671, 17384640, 33977142, 32571458, 34405109, 35598585, 24030952)

Broad Center for Mendelian Genomics, Broad Institute of MIT and Harvard
Classification: Likely pathogenic for Leukoencephalopathy with brain stem and spinal cord involvement-high lactate syndrome. Last evaluated: 2025-01-21. Review status: criteria provided, single submitter. Criteria: ACMG Guidelines, 2015. Collection method: curation. Allele origin: germline. Inheritance: Autosomal recessive inheritance.
Comment: The p.Arg179His variant in DARS2 has been reported in 9 individuals with leukoencephalopathy with brain stem and spinal cord involvement-high lactate syndrome (PMID: 24566671,32571458, 34405109, 33977142), segregated with disease in 2 affected relatives from 2 families (PMID: 34405109, 24566671), and has been identified in 0.005% (57/1179760) of European (non-Finnish) chromosomes by the Genome Aggregation Database (gnomAD; dbSNP rs121918210). Although this variant has been seen in the general population in a heterozygous state, its frequency is not high enough to rule out a pathogenic role. This variant has also been reported in ClinVar (Variation ID: 1064) and has been interpreted as likely pathogenic/pathogenic by OMIM, Invitae, Institute of Medical Genetics and Applied Genomics (University Hospital T√ºbingen) and GeneDx. Of the 9 affected individuals, 1 was a compound heterozygote that carried a reported pathogenic variant in trans, which increases the likelihood that the p.Arg179His variant is pathogenic (Variation ID: 1057, PMID: 24566671). In vitro functional studies provide some evidence that the p.Arg179His variant may impact protein function (PMID: 24566671). However, these types of assays may not accurately represent biological function. Computational prediction tools and conservation analyses suggest that this variant may impact the protein, though this information is not predictive enough to determine pathogenicity. In summary, although additional studies are required to fully establish its clinical significance, this variant is likely pathogenic for autosomal recessive leukoencephalopathy with brain stem and spinal cord involvement-high lactate syndrome. ACMG/AMP Criteria applied: PM3, PS3_moderate, PP3_moderate, PM2_supporting, PP1 (Richards 2015).

Victorian Clinical Genetics Services, Murdoch Childrens Research Institute
Classification: Likely pathogenic for Leukoencephalopathy with brain stem and spinal cord involvement-high lactate syndrome. Last evaluated: 2024-10-31. Review status: criteria provided, single submitter. Criteria: ACMG Guidelines, 2015. Collection method: clinical testing. Allele origin: germline. Affected: yes.
Comment: This variant is classified as Likely pathogenic. Evidence in support of pathogenic classification: Variant is present in gnomAD <0.01 for a recessive condition (v4: 59 heterozygotes, 0 homozygotes); This variant has strong previous evidence of pathogenicity in unrelated individuals. The variant has previously been reported as pathogenic in at least five unrelated individuals, and shown to segregate with disease in two pairs of siblings. It has been observed frequently in a compound heterozygous state with a null allele (ClinVar, HGMD, PMIDs: 17384640, 24030952, 32571458); Missense variant consistently predicted to be damaging by multiple in silico tools or highly conserved with a major amino acid change. Additional information: Variant is predicted to result in a missense amino acid change from arginine to histidine; This variant is heterozygous; This gene is associated with autosomal recessive disease; An alternative amino acid change at the same position has been observed in gnomAD (v4: 26 heterozygotes, 0 homozygotes); No published functional evidence has been identified for this variant; No comparable missense variants have previous evidence for pathogenicity; Variant is located in the annotated tRNA synthetases class 2 domain (DECIPHER); Loss of function is a known mechanism of disease in this gene and is associated with leukoencephalopathy with brain stem and spinal cord involvement and lactate elevation (MIM#611105).

Genome-Nilou Lab
Classification: Likely pathogenic for Leukoencephalopathy with brain stem and spinal cord involvement-high lactate syndrome. Last evaluated: 2023-04-11. Review status: criteria provided, single submitter. Criteria: ACMG Guidelines, 2015. Collection method: clinical testing. Allele origin: germline. Affected: no.

Labcorp Genetics (formerly Invitae), Labcorp
Classification: Pathogenic. Last evaluated: 2022-08-31. Review status: criteria provided, single submitter. Criteria: Invitae Variant Classification Sherloc (09022015). Collection method: clinical testing. Allele origin: germline.
Comment: For these reasons, this variant has been classified as Pathogenic. This variant disrupts the p.Arg179 amino acid residue in DARS2. Other variant(s) that disrupt this residue have been determined to be pathogenic (PMID: 33977142). This suggests that this residue is clinically significant, and that variants that disrupt this residue are likely to be disease-causing. Advanced modeling of protein sequence and biophysical properties (such as structural, functional, and spatial information, amino acid conservation, physicochemical variation, residue mobility, and thermodynamic stability) performed at Invitae indicates that this missense variant is expected to disrupt DARS2 protein function. ClinVar contains an entry for this variant (Variation ID: 1064). This missense change has been observed in individual(s) with leukoencephalopathy with brain stem and spinal cord involvement and lactate elevation (PMID: 17384640, 24030952, 24566671, 32571458, 33977142). This variant is present in population databases (rs121918210, gnomAD 0.01%). This sequence change replaces arginine, which is basic and polar, with histidine, which is basic and polar, at codon 179 of the DARS2 protein (p.Arg179His).

Institute of Medical Genetics and Applied Genomics, University Hospital Tübingen
Classification: Pathogenic. Last evaluated: 2020-10-23. Review status: criteria provided, single submitter. Criteria: ACMG Guidelines, 2015. Collection method: clinical testing. Allele origin: germline. Inheritance: Unknown mechanism. Affected: yes.

Blueprint Genetics
Classification: Pathogenic for DARS2-related disorders. Last evaluated: 2018-08-14. Review status: criteria provided, single submitter. Criteria: ACMG Guidelines, 2015. Collection method: clinical testing. Allele origin: germline. Affected: yes. Observed: 2 variant alleles.

OMIM
Classification: Pathogenic for LEUKOENCEPHALOPATHY WITH BRAINSTEM AND SPINAL CORD INVOLVEMENT AND LACTATE ELEVATION. Last evaluated: 2007-04-01. Review status: no assertion criteria provided. Collection method: literature only. Allele origin: germline. Not counted in ClinVar's aggregate classification.

Literature cited by the submitters: PubMed 24566671 (cited by Broad Center for Mendelian Genomics, Broad Institute of MIT and Harvard and Labcorp Genetics (formerly Invitae), Labcorp); PubMed 17384640 (cited by 3 submitters); PubMed 32571458 (cited by Victorian Clinical Genetics Services, Murdoch Childrens Research Institute and Labcorp Genetics (formerly Invitae), Labcorp); PubMed 24030952 (cited by Victorian Clinical Genetics Services, Murdoch Childrens Research Institute and Labcorp Genetics (formerly Invitae), Labcorp); PubMed 33977142 (cited by Labcorp Genetics (formerly Invitae), Labcorp).